The following is an entry in ClinVar:

NM_023036.6(DNAI2):c.598A>C (p.Ile200Leu)

Gene: DNAI2 (dynein axonemal intermediate chain 2; plus strand). Cytogenetic location: 17q25.1.
Variant type: single nucleotide variant.
Coding change: c.598A>C on transcript NM_023036.6 (MANE Select); coding-DNA position 598, A replaced by C.
Protein change: p.Ile200Leu; replaces isoleucine 200 with leucine.
Molecular consequence: missense variant. On other transcripts: non-coding transcript variant (1).
Genome position (GRCh38, 1-based): chr17:74,289,724, A>C. VCF-style: chr17-74289724-A-C. GRCh37 (hg19) VCF-style: chr17-72285863-A-C.
Other names: c.598A>C, p.Ile200Leu (NM_001172810.3, NM_001353167.2); short protein forms I200L.
Identifiers: ClinVar variation 525517 (VCV000525517.21), dbSNP rs144786630, ClinGen allele CA8745401.

ClinVar aggregate classification (germline): Conflicting classifications of pathogenicity. Review status: criteria provided, conflicting classifications (1 of 4 stars). 7 submissions from 7 submitters: Uncertain significance (2); Benign (2); Likely benign (3). Last evaluated 2026-05-21.

Conditions:
Primary ciliary dyskinesia 9. Also called: CILIARY DYSKINESIA, PRIMARY, 9, WITH OR WITHOUT SITUS INVERSUS. Identifiers: Orphanet 244, MedGen C2676235, MONDO:0012906, OMIM 612444.
Primary ciliary dyskinesia. Also called: Ciliary dyskinesia. Identifiers: Orphanet 244, MedGen C0008780, MONDO:0016575, HP:0012265.
DNAI2-related disorder. Also called: DNAI2-related condition.

Allele frequency attached by ClinVar (database versions not stated): TOPMed 0.00035; ESP Exome Variant Server 0.00054; gnomAD 0.00113 and 0.00121.
gnomAD v4.1: 1,606 of 1,613,946 alleles (0.1%); highest among the groups gnomAD compares: Non-Finnish European, 0.071%; 3 homozygotes.

Submissions (7):

PreventionGenetics, part of Exact Sciences
Classification: Likely benign for DNAI2-related condition. Last evaluated: 2026-05-21. Review status: criteria provided, single submitter. Criteria: ACMG Guidelines, 2015. Collection method: clinical testing. Allele origin: germline.
Comment: This variant is classified as likely benign based on ACMG/AMP sequence variant interpretation guidelines (Richards et al. 2015 PMID: 25741868, with internal and published modifications).

Department of Human Genetics, Hannover Medical School
Classification: Uncertain significance for Primary Ciliary Dyskinesia. Last evaluated: 2026-04-01. Review status: criteria provided, single submitter. Criteria: ACMG Guidelines, 2015. Collection method: research. Allele origin: germline. Affected: no.
Comment: Classification performed by HerediClassify using the following criteria:['PM2_supporting: Variant occures does not occur as homozygous in gnomAD.', 'PP3_protein_supporting: Variant is predicted to be pathogenic by REVEL with evidence strength supporting meeting a threshold of 0.644 (value: 0.66).', "PP4_moderate: The modified PICADAR socre of 3.0 exceeds threshold of 3 achieving 'moderate' evidence strength."]

Labcorp Genetics (formerly Invitae), Labcorp
Classification: Benign for Primary ciliary dyskinesia. Last evaluated: 2026-02-02. Review status: criteria provided, single submitter. Criteria: Invitae Variant Classification Sherloc (09022015). Collection method: clinical testing. Allele origin: germline.

Blueprint Genetics
Classification: Likely benign. Last evaluated: 2024-10-15. Review status: criteria provided, single submitter. Criteria: ACMG Guidelines, 2015. Collection method: clinical testing. Allele origin: germline.

ARUP Laboratories, Molecular Genetics and Genomics, ARUP Laboratories
Classification: Likely benign for Primary ciliary dyskinesia 9. Last evaluated: 2024-04-30. Review status: criteria provided, single submitter. Criteria: ARUP Molecular Germline Variant Investigation Process 2024. Collection method: clinical testing. Allele origin: germline.

Illumina Laboratory Services, Illumina
Classification: Uncertain significance for Primary ciliary dyskinesia 9. Last evaluated: 2018-01-12. Review status: criteria provided, single submitter. Criteria: ICSL Variant Classification Criteria 13 December 2019. Collection method: clinical testing. Allele origin: germline.

Ambry Genetics
Classification: Benign for Primary ciliary dyskinesia. Last evaluated: 2017-07-19. Review status: criteria provided, single submitter. Criteria: Ambry Variant Classification Scheme 2023. Collection method: clinical testing. Allele origin: germline.